The following is an entry in ClinVar:

NM_001127208.3(TET2):c.386A>C (p.Gln129Pro)

Genes: TET2 (tet methylcytosine dioxygenase 2; plus strand), TET2-AS1 (TET2 antisense RNA 1; minus strand). Cytogenetic location: 4q24.
Variant type: single nucleotide variant.
Coding change: c.386A>C on transcript NM_001127208.3 (MANE Select); coding-DNA position 386, A replaced by C.
Protein change: p.Gln129Pro; replaces glutamine 129 with proline.
Molecular consequence: missense variant.
Genome position (GRCh38, 1-based): chr4:105,234,328, A>C. VCF-style: chr4-105234328-A-C. GRCh37 (hg19) VCF-style: chr4-106155485-A-C.
Other names: c.386A>C, p.Gln129Pro (NM_017628.4); short protein forms Q129P.
Identifiers: ClinVar variation 4594235 (VCV004594235.1).

ClinVar aggregate classification (germline): Uncertain significance (1 of 4 stars; one submission).

Submission:

Ambry Genetics
Classification: Uncertain significance. Last evaluated: 2025-12-06. Review status: criteria provided, single submitter. Criteria: Ambry Variant Classification Scheme 2023. Collection method: clinical testing. Allele origin: germline.
Comment: The p.Q129P variant (also known as c.386A>C), located in coding exon 1 of the TET2 gene, results from an A to C substitution at nucleotide position 386. The glutamine at codon 129 is replaced by proline, an amino acid with similar properties. This amino acid position is conserved. In addition, this alteration is predicted to be tolerated by in silico analysis. Based on the available evidence, the clinical significance of this variant remains unclear.